The following is an entry in ClinVar:

ClinVar aggregate classification (germline): Benign. Review status: criteria provided, multiple submitters, no conflicts (2 of 4 stars). 2 submissions from 2 submitters: Benign (2). Last evaluated 2019-08-22.

Allele frequency attached by ClinVar (database versions not stated): gnomAD exomes 0.23737 and 0.25884; ExAC 0.23953; 1000 Genomes Project 0.25280; 1000 Genomes Project 30x 0.25422; gnomAD 0.26090 and 0.26490; TOPMed 0.26164; ESP Exome Variant Server 0.26284.
gnomAD v4.1: 416,649 of 1,612,562 alleles (26%); highest among the groups gnomAD compares: African/African-American, 29%; 55,507 homozygotes.

Submissions (2):

GeneDx
Classification: Benign. Last evaluated: 2019-08-22. Review status: criteria provided, single submitter. Criteria: GeneDx Variant Classification Process June 2021. Collection method: clinical testing. Allele origin: germline. Affected: yes.
Comment: This variant is associated with the following publications: (PMID: 29886133)

Breakthrough Genomics
Classification: Benign. Review status: criteria provided, single submitter. Criteria: ACMG Guidelines, 2015. Collection method: not provided. Allele origin: germline. Inheritance: Unknown mechanism. Affected: yes.

NM_002046.7(GAPDH):c.-8C>G

Gene: GAPDH (glyceraldehyde-3-phosphate dehydrogenase; plus strand). Cytogenetic location: 12p13.31.
Variant type: single nucleotide variant.
Coding change: c.-8C>G on transcript NM_002046.7 (MANE Select); 8 bases upstream of the start codon, C replaced by G.
Molecular consequence: 5 prime UTR variant. On other transcripts: non-coding transcript variant (1).
Genome position (GRCh38, 1-based): chr12:6,534,825, C>G. VCF-style: chr12-6534825-C-G. GRCh37 (hg19) VCF-style: chr12-6643991-C-G.
Other names: c.-8C>G (NM_001289745.3, NM_001289746.2, NM_001357943.2).
Identifiers: ClinVar variation 1262368 (VCV001262368.3), dbSNP rs1136666, ClinGen allele CA6409372.